The following is an entry in ClinVar:

ClinVar aggregate classification (germline): Uncertain significance (1 of 4 stars; one submission).

Submission:

GeneDx
Classification: Uncertain significance. Last evaluated: 2025-03-14. Review status: criteria provided, single submitter. Criteria: GeneDx Variant Classification Process June 2021. Collection method: clinical testing. Allele origin: germline. Affected: yes.
Comment: Not observed at significant frequency in large population cohorts (gnomAD); In silico analysis indicates that this missense variant does not alter protein structure/function; Has not been previously published as pathogenic or benign to our knowledge

NM_001271.4(CHD2):c.1230G>C (p.Glu410Asp)

Gene: CHD2 (chromodomain helicase DNA binding protein 2; plus strand). Cytogenetic location: 15q26.1.
Variant type: single nucleotide variant.
Coding change: c.1230G>C on transcript NM_001271.4 (MANE Select); coding-DNA position 1230, G replaced by C.
Protein change: p.Glu410Asp; replaces glutamic acid 410 with aspartic acid.
Molecular consequence: missense variant.
Genome position (GRCh38, 1-based): chr15:92,946,069, G>C. VCF-style: chr15-92946069-G-C. GRCh37 (hg19) VCF-style: chr15-93489299-G-C.
Other names: c.1230G>C, p.Glu410Asp (NM_001042572.3); short protein forms E410D.
Identifiers: ClinVar variation 4083060 (VCV004083060.1).
Genomic context (GRCh38, chr15:92,946,069, plus strand): 5'-AATCTATAAATTTTTTTTATATGAAATAGCTCATAGTCGGAAGCCGGCACCCTCAAATGA[G>C]CCCGAATATCTATGTAAATGGATGGGACTCCCCTATTCAGAGTGTAGCTGGGAAGATGAA-3'
Protein context (NP_001262.3, residues 400-420): AHSRKPAPSN[Glu410Asp]PEYLCKWMGL